The following is an entry in ClinVar:

ClinVar aggregate classification (germline): Uncertain significance (1 of 4 stars; one submission).

Conditions:
Inborn genetic diseases. Identifiers: MedGen C0950123, MeSH D030342.

Submission:

Ambry Genetics
Classification: Uncertain significance for Inborn genetic diseases. Last evaluated: 2026-08-05. Review status: criteria provided, single submitter. Criteria: Ambry Variant Classification Scheme 2023. Collection method: clinical testing. Allele origin: germline.
Comment: The p.Q1170R variant (also known as c.3509A>G), located in coding exon 24 of the ANKRD26 gene, results from an A to G substitution at nucleotide position 3509. The glutamine at codon 1170 is replaced by arginine, an amino acid with highly similar properties. This amino acid position is conserved. In addition, this alteration is predicted to be tolerated by in silico analysis. Based on the available evidence, the clinical significance of this variant remains unclear.

NM_014915.3(ANKRD26):c.3509A>G (p.Gln1170Arg)

Gene: ANKRD26 (ankyrin repeat domain 26; minus strand). Cytogenetic location: 10p12.1.
Variant type: single nucleotide variant.
Coding change: c.3509A>G on transcript NM_014915.3 (MANE Select); coding-DNA position 3509, A replaced by G.
Protein change: p.Gln1170Arg; replaces glutamine 1170 with arginine.
Molecular consequence: missense variant.
Genome position (GRCh38, 1-based): chr10:27,034,941, T>C on the plus strand (A>G on the coding strand, the complement: ANKRD26 is on the minus strand). VCF-style: chr10-27034941-T-C. GRCh37 (hg19) VCF-style: chr10-27323870-T-C.
Other names: c.3506A>G, p.Gln1169Arg (NM_001256053.2); short protein forms Q1169R, Q1170R.
Identifiers: ClinVar variation 5023456 (VCV005023456.1).